The following is an entry in ClinVar:

ClinVar aggregate classification (germline): Uncertain significance. Review status: criteria provided, multiple submitters, no conflicts (2 of 4 stars). 2 submissions from 2 submitters: Uncertain significance (2). Last evaluated 2025-06-25.

Conditions:
Hereditary cancer-predisposing syndrome. Also called: Neoplastic Syndromes, Hereditary; Hereditary Cancer Syndrome; Tumor predisposition; Hereditary neoplastic syndrome. Identifiers: Orphanet 140162, MedGen C0027672, MeSH D009386, MONDO:0015356.
Multiple endocrine neoplasia type 4. Also called: MULTIPLE ENDOCRINE NEOPLASIA, TYPE IV. Identifiers: Orphanet 276152, MedGen C1970712, MONDO:0012552, OMIM 610755.

Submissions (2):

Ambry Genetics
Classification: Uncertain significance for Hereditary cancer-predisposing syndrome. Last evaluated: 2025-06-25. Review status: criteria provided, single submitter. Criteria: Ambry Variant Classification Scheme 2023. Collection method: clinical testing. Allele origin: germline.
Comment: The c.325_326delGTinsAG variant (also known as p.V109S), located in coding exon 1 of the CDKN1B gene, results from an in-frame deletion of GT and insertion of AG at nucleotide positions 325 to 326. This results in the substitution of the valine residue for a serine residue at codon 109, an amino acid with dissimilar properties. This amino acid position is not well conserved in available vertebrate species. In addition, this variant is predicted to be neutral by in silico analysis (Choi Y et al. PLoS ONE. 2012; 7(10):e46688). Based on the available evidence, the clinical significance of this variant remains unclear.

Labcorp Genetics (formerly Invitae), Labcorp
Classification: Uncertain significance for Multiple endocrine neoplasia type 4. Last evaluated: 2023-11-29. Review status: criteria provided, single submitter. Criteria: Invitae Variant Classification Sherloc (09022015). Collection method: clinical testing. Allele origin: germline.
Comment: This sequence change replaces valine, which is neutral and non-polar, with serine, which is neutral and polar, at codon 109 of the CDKN1B protein (p.Val109Ser). Information on the frequency of this variant in the gnomAD database is not available, as this variant may be reported differently in the database. This variant has not been reported in the literature in individuals affected with CDKN1B-related conditions. ClinVar contains an entry for this variant (Variation ID: 1511938). An algorithm developed to predict the effect of missense changes on protein structure and function (PolyPhen-2) suggests that this variant is likely to be tolerated. In summary, the available evidence is currently insufficient to determine the role of this variant in disease. Therefore, it has been classified as a Variant of Uncertain Significance.

NM_004064.5(CDKN1B):c.325_326delinsAG (p.Val109Ser)

Gene: CDKN1B (cyclin dependent kinase inhibitor 1B; plus strand). Cytogenetic location: 12p13.1.
Variant type: Indel.
Coding change: c.325_326delinsAG on transcript NM_004064.5 (MANE Select); coding-DNA positions 325 to 326, GT replaced by AG.
Protein change: p.Val109Ser; replaces valine 109 with serine.
Molecular consequence: missense variant.
Genome position (GRCh38, 1-based): chr12:12,718,164-12,718,165, GT replaced by AG. VCF-style: chr12-12718164-GT-AG. GRCh37 (hg19) VCF-style: chr12-12871098-GT-AG.
Other names: c.325_326delGTinsAG (NM_004064.3); short protein forms V109S.
Identifiers: ClinVar variation 1511938 (VCV001511938.7), dbSNP rs2136356150, ClinGen allele CA2573147863.